The following is an entry in ClinVar:

ClinVar aggregate classification (germline): Pathogenic/Likely pathogenic. Review status: criteria provided, multiple submitters, no conflicts (2 of 4 stars). 5 submissions from 5 submitters: Pathogenic (1); Likely pathogenic (4). Last evaluated 2026-07-09.

Conditions:
Cardiovascular phenotype. Identifiers: MedGen CN230736.
Hypertrophic cardiomyopathy 1 (CMH1). Also called: Familial hypertrophic cardiomyopathy 1; MYH7-Related Familial Hypertrophic Cardiomyopathy. Identifiers: MedGen C3495498, MONDO:0008647, OMIM 192600.
Cardiomyopathy (CMYO). Also called: Cardiomyopathies. Identifiers: Orphanet 167848, MedGen C0878544, MONDO:0004994, HP:0001638. Inheritance: Various modes of inheritance.
Hypertrophic cardiomyopathy. Also called: HYPERTROPHIC MYOCARDIOPATHY. Identifiers: Orphanet 217569, MedGen C0007194, MeSH D002312, MONDO:0005045, HP:0001639.

Submissions (5):

Ambry Genetics
Classification: Likely pathogenic for Cardiovascular phenotype. Last evaluated: 2026-07-09. Review status: criteria provided, single submitter. Criteria: Ambry Variant Classification Scheme 2023. Collection method: clinical testing. Allele origin: germline.
Comment: The p.D778N variant (also known as c.2332G>A), located in coding exon 19 of the MYH7 gene, results from a G to A substitution at nucleotide position 2332. The aspartic acid at codon 778 is replaced by asparagine, an amino acid with highly similar properties. This variant is located in the myosin head domain, which contains a statistically significant clustering of pathogenic missense variants (Homburger JR et al. Proc Natl Acad Sci U S A, 2016 06;113:6701-6; Walsh R et al. Genet Med, 2017 02;19:192-203; Ambry internal data). This variant was reported in individual(s) with features consistent with hypertrophic cardiomyopathy (HCM); in at least one individual, it was determined to be de novo (Lu C et al. J Transl Med, 2018 Aug;16:241; Kim OH et al. BMC Med Genomics, 2024 Sep;17:225; Ghani M et al. J Mol Diagn, 2019 Jul;21:602-611; Ambry internal data; external communication). This amino acid position is highly conserved in available vertebrate species. In addition, the in silico prediction for this alteration is inconclusive. This variant is considered to be rare based on population cohorts in the Genome Aggregation Database (gnomAD). Based on the majority of available evidence to date, this variant is likely to be pathogenic.

Labcorp Genetics (formerly Invitae), Labcorp
Classification: Pathogenic for Hypertrophic cardiomyopathy. Last evaluated: 2025-03-30. Review status: criteria provided, single submitter. Criteria: Invitae Variant Classification Sherloc (09022015). Collection method: clinical testing. Allele origin: germline.
Comment: This sequence change replaces aspartic acid, which is acidic and polar, with asparagine, which is neutral and polar, at codon 778 of the MYH7 protein (p.Asp778Asn). This variant is not present in population databases (gnomAD no frequency). This missense change has been observed in individual(s) with hypertrophic cardiomyopathy (PMID: 30165862; internal data). In at least one individual the variant was observed to be de novo. ClinVar contains an entry for this variant (Variation ID: 181369). Invitae Evidence Modeling of protein sequence and biophysical properties (such as structural, functional, and spatial information, amino acid conservation, physicochemical variation, residue mobility, and thermodynamic stability) indicates that this missense variant is expected to disrupt MYH7 protein function with a positive predictive value of 95%. This variant disrupts the p.Asp778 amino acid residue in MYH7. Other variant(s) that disrupt this residue have been determined to be pathogenic (PMID: 12566107, 15358028, 21896538, 22112859; internal data). This suggests that this residue is clinically significant, and that variants that disrupt this residue are likely to be disease-causing. For these reasons, this variant has been classified as Pathogenic.

CeGaT Center for Human Genetics Tuebingen
Classification: Likely pathogenic. Last evaluated: 2023-08-01. Review status: criteria provided, single submitter. Criteria: CeGaT Center For Human Genetics Tuebingen Variant Classification Criteria Version 2. Collection method: clinical testing. Allele origin: germline. Affected: yes. Observed: 7 variant alleles.
Comment: MYH7: PM1, PM2, PM5, PP1:Moderate, PP3

Clinical Genetics Laboratory, Region Ostergotland
Classification: Likely pathogenic for Hypertrophic cardiomyopathy 1. Last evaluated: 2020-02-05. Review status: criteria provided, single submitter. Criteria: ACMG Guidelines, 2015. Collection method: clinical testing. Allele origin: germline. Affected: yes.
Comment: PM1, PM2, PM5, PP3

CHEO Genetics Diagnostic Laboratory, Children's Hospital of Eastern Ontario
Classification: Likely pathogenic for Cardiomyopathy. Last evaluated: 2015-09-15. Review status: criteria provided, single submitter. Criteria: ACMG Guidelines, 2015. Collection method: clinical testing. Allele origin: germline. Study: Canadian Open Genetics Repository.

Literature cited by the submitters: PubMed 30165862 (cited by Ambry Genetics and Labcorp Genetics (formerly Invitae), Labcorp); PubMed 31028938 (cited by Ambry Genetics); PubMed 39237976 (cited by Ambry Genetics); PubMed 12566107 (cited by Labcorp Genetics (formerly Invitae), Labcorp); PubMed 15358028 (cited by Labcorp Genetics (formerly Invitae), Labcorp); PubMed 21896538 (cited by Labcorp Genetics (formerly Invitae), Labcorp); PubMed 22112859 (cited by Labcorp Genetics (formerly Invitae), Labcorp).

NM_000257.4(MYH7):c.2332G>A (p.Asp778Asn)

Genes: MYH7 (myosin heavy chain 7; minus strand), LOC126861898 (BRD4-independent group 4 enhancer GRCh37_chr14:23893609-23894808; plus strand). Cytogenetic location: 14q11.2.
Variant type: single nucleotide variant.
Coding change: c.2332G>A on transcript NM_000257.4 (MANE Select); coding-DNA position 2332, G replaced by A.
Protein change: p.Asp778Asn; replaces aspartic acid 778 with asparagine.
Molecular consequence: missense variant.
Genome position (GRCh38, 1-based): chr14:23,425,373, C>T on the plus strand (G>A on the coding strand, the complement: MYH7 is on the minus strand). VCF-style: chr14-23425373-C-T. GRCh37 (hg19) VCF-style: chr14-23894582-C-T.
Other names: c.2332G>A (LRG_384t1); short protein forms D778N.
Identifiers: ClinVar variation 181369 (VCV000181369.57), dbSNP rs730880895, ClinGen allele CA012125.